The following is an entry in ClinVar:

ClinVar aggregate classification (germline): Uncertain significance (1 of 4 stars; one submission).

Conditions:
Hyperphosphatasia with intellectual disability syndrome 5 (GPIBD11). Also called: GLYCOSYLPHOSPHATIDYLINOSITOL BIOSYNTHESIS DEFECT 11. Identifiers: Orphanet 247262, MedGen C4014958, MONDO:0014457, OMIM 616025.

Allele frequency attached by ClinVar (database versions not stated): gnomAD exomes below 0.00001.
gnomAD v4.1: 6 of 1,614,234 alleles (0.00037%); highest among the groups gnomAD compares: South Asian, 0.0066%; no homozygotes.

Submission:

Labcorp Genetics (formerly Invitae), Labcorp
Classification: Uncertain significance for Hyperphosphatasia with intellectual disability syndrome 5. Last evaluated: 2024-02-17. Review status: criteria provided, single submitter. Criteria: Invitae Variant Classification Sherloc (09022015). Collection method: clinical testing. Allele origin: germline.
Comment: This sequence change replaces phenylalanine, which is neutral and non-polar, with cysteine, which is neutral and slightly polar, at codon 152 of the PIGW protein (p.Phe152Cys). This variant is present in population databases (no rsID available, gnomAD 0.006%). This variant has not been reported in the literature in individuals affected with PIGW-related conditions. ClinVar contains an entry for this variant (Variation ID: 2062413). Advanced modeling of protein sequence and biophysical properties (such as structural, functional, and spatial information, amino acid conservation, physicochemical variation, residue mobility, and thermodynamic stability) has been performed at Invitae for this missense variant, however the output from this modeling did not meet the statistical confidence thresholds required to predict the impact of this variant on PIGW protein function. In summary, the available evidence is currently insufficient to determine the role of this variant in disease. Therefore, it has been classified as a Variant of Uncertain Significance.

NM_001346754.2(PIGW):c.455T>G (p.Phe152Cys)

Genes: MYO19 (myosin XIX; minus strand), PIGW (phosphatidylinositol glycan anchor biosynthesis class W; plus strand). Cytogenetic location: 17q12.
Variant type: single nucleotide variant.
Coding change: c.455T>G on transcript NM_001346754.2 (MANE Select); coding-DNA position 455, T replaced by G.
Protein change: p.Phe152Cys; replaces phenylalanine 152 with cysteine.
Molecular consequence: missense variant.
Genome position (GRCh38, 1-based): chr17:36,537,556, T>G. VCF-style: chr17-36537556-T-G. GRCh37 (hg19) VCF-style: chr17-34893405-T-G.
Other names: c.455T>G, p.Phe152Cys (NM_001346755.2, NM_178517.5); short protein forms F152C.
Identifiers: ClinVar variation 2062413 (VCV002062413.4), dbSNP rs1237233025, ClinGen allele CA399162711.